The following is an entry in ClinVar:

ClinVar aggregate classification (germline): Uncertain significance (1 of 4 stars; one submission).

Submission:

Dasa
Classification: Uncertain significance. Last evaluated: 2025-04-19. Review status: criteria provided, single submitter. Criteria: DASA Assertion Criteria. Collection method: clinical testing. Allele origin: germline.
Comment: NM_016653.3(MAP3K20):c.607G>A (p.Glu203Lys) is a missense variant that results in the substitution of glutamic acid with lysine. Published studies describe this variant in association with related phenotype (PMID: 38451290; PMID: 39648035). Segregation data support an association with disease in the reported family/families. Also, this variant is absent from population databases. Computational prediction algorithms are consistent with a deleterious effect. The currently available literature and clinical evidence are not sufficient to establish a definitive association between this variant and the reported condition. Therefore, this variant is classified as a variant of uncertain significance.

Literature cited by the submitters: PubMed 38451290; PubMed 39648035.

NM_016653.3(MAP3K20):c.607G>A (p.Glu203Lys)

Genes: MAP3K20 (mitogen-activated protein kinase kinase kinase 20; plus strand), MAP3K20-AS1 (MAP3K20 antisense RNA 1; minus strand). Cytogenetic location: 2q31.1.
Variant type: single nucleotide variant.
Coding change: c.607G>A on transcript NM_016653.3 (MANE Select); coding-DNA position 607, G replaced by A.
Protein change: p.Glu203Lys; replaces glutamic acid 203 with lysine.
Molecular consequence: missense variant. On other transcripts: non-coding transcript variant (1).
Genome position (GRCh38, 1-based): chr2:173,198,050, G>A. VCF-style: chr2-173198050-G-A. GRCh37 (hg19) VCF-style: chr2-174062778-G-A.
Other names: c.607G>A, p.Glu203Lys (NM_133646.3); short protein forms E203K.
Identifiers: ClinVar variation 4885364 (VCV004885364.2).